The following is an entry in ClinVar:

ClinVar aggregate classification (germline): Uncertain significance (1 of 4 stars; one submission).

Conditions:
Deficiency of adenosine deaminase 2. Also called: Polyarteritis nodosa, childhoood-onset; Adenosine Deaminase 2 Deficiency; VASCULITIS, AUTOINFLAMMATION, IMMUNODEFICIENCY, AND HEMATOLOGIC DEFECTS SYNDROME. Identifiers: Orphanet 404553, MedGen C3887654, MONDO:0014306, OMIM 615688, MONDO:0100317.

Submission:

Labcorp Genetics (formerly Invitae), Labcorp
Classification: Uncertain significance for Deficiency of adenosine deaminase 2. Last evaluated: 2022-01-11. Review status: criteria provided, single submitter. Criteria: Invitae Variant Classification Sherloc (09022015). Collection method: clinical testing. Allele origin: germline.
Comment: In summary, the available evidence is currently insufficient to determine the role of this variant in disease. Therefore, it has been classified as a Variant of Uncertain Significance. Algorithms developed to predict the effect of missense changes on protein structure and function are either unavailable or do not agree on the potential impact of this missense change (SIFT: "Deleterious"; PolyPhen-2: "Possibly Damaging"; Align-GVGD: "Class C0"). This variant has not been reported in the literature in individuals affected with ADA2-related conditions. This variant is not present in population databases (gnomAD no frequency). This sequence change replaces histidine, which is basic and polar, with glutamine, which is neutral and polar, at codon 260 of the ADA2 protein (p.His260Gln).

NM_001282225.2(ADA2):c.780T>G (p.His260Gln)

Gene: ADA2 (adenosine deaminase 2; minus strand). Cytogenetic location: 22q11.1.
Variant type: single nucleotide variant.
Coding change: c.780T>G on transcript NM_001282225.2 (MANE Select); coding-DNA position 780, T replaced by G.
Protein change: p.His260Gln; replaces histidine 260 with glutamine.
Molecular consequence: missense variant.
Genome position (GRCh38, 1-based): chr22:17,191,784, A>C on the plus strand (T>G on the coding strand, the complement: ADA2 is on the minus strand). VCF-style: chr22-17191784-A-C. GRCh37 (hg19) VCF-style: chr22-17672674-A-C.
Other names: c.780T>G, p.His260Gln (NM_001282226.2); c.654T>G, p.His218Gln (NM_001282227.2, NM_001282228.2); c.420T>G, p.His140Gln (NM_001282229.2); c.57T>G, p.His19Gln (NM_177405.3); short protein forms H19Q, H260Q, H140Q, H218Q.
Identifiers: ClinVar variation 2158101 (VCV002158101.4), dbSNP rs1269674261, ClinGen allele CA410225867.